The following is an entry in ClinVar:

ClinVar aggregate classification (germline): Pathogenic. Review status: reviewed by expert panel (3 of 4 stars). 7 submissions from 7 submitters: Pathogenic (1). 6 of the submissions do not count toward it. Last evaluated 2016-09-08.

Conditions:
Hereditary cancer-predisposing syndrome. Also called: Neoplastic Syndromes, Hereditary; Tumor predisposition; Hereditary Cancer Syndrome; Hereditary neoplastic syndrome. Identifiers: Orphanet 140162, MedGen C0027672, MeSH D009386, MONDO:0015356.
Hereditary breast ovarian cancer syndrome. Also called: Hereditary breast and ovarian cancer syndrome; Hereditary breast and ovarian cancer; Hereditary breast and ovarian cancer syndrome (HBOC); Breast and ovarian cancer; Hereditary breast and/or ovarian cancer syndrome; BRCA1- and BRCA2-Associated Hereditary Breast and Ovarian Cancer. Identifiers: Orphanet 145, MedGen C0677776, MeSH D061325, MONDO:0003582. Disease mechanism: loss of function.
Breast-ovarian cancer, familial, susceptibility to, 2 (BROVCA2). Also called: BRCA2 Hereditary Breast and Ovarian Cancer. Identifiers: Orphanet 145, MedGen C2675520, MONDO:0012933, OMIM 612555. Disease mechanism: loss of function.

Submissions (7):

Evidence-based Network for the Interpretation of Germline Mutant Alleles (ENIGMA)
Classification: Pathogenic for Breast-ovarian cancer, familial, susceptibility to, 2. Last evaluated: 2016-09-08. Review status: reviewed by expert panel. Criteria: ENIGMA BRCA1/2 Classification Criteria (2015). Collection method: curation. Allele origin: germline.
Comment: Variant allele predicted to encode a truncated non-functional protein.

Labcorp Genetics (formerly Invitae), Labcorp
Classification: Pathogenic for Hereditary breast ovarian cancer syndrome. Last evaluated: 2025-07-23. Review status: criteria provided, single submitter. Criteria: Invitae Variant Classification Sherloc (09022015). Collection method: clinical testing. Allele origin: germline. Not counted in ClinVar's aggregate classification.
Comment: This sequence change creates a premature translational stop signal (p.Gln1107*) in the BRCA2 gene. It is expected to result in an absent or disrupted protein product. Loss-of-function variants in BRCA2 are known to be pathogenic (PMID: 20104584). This variant is not present in population databases (gnomAD no frequency). This premature translational stop signal has been observed in individual(s) with ovarian cancer (PMID: 27406733). ClinVar contains an entry for this variant (Variation ID: 51449). For these reasons, this variant has been classified as Pathogenic.

Ambry Genetics
Classification: Pathogenic for Hereditary cancer-predisposing syndrome. Last evaluated: 2025-06-09. Review status: criteria provided, single submitter. Criteria: Ambry Variant Classification Scheme 2023. Collection method: clinical testing. Allele origin: germline. Not counted in ClinVar's aggregate classification.
Comment: The p.Q1107* pathogenic mutation (also known as c.3319C>T), located in coding exon 10 of the BRCA2 gene, results from a C to T substitution at nucleotide position 3319. This changes the amino acid from a glutamine to a stop codon within coding exon 10. This variant is considered to be rare based on population cohorts in the Genome Aggregation Database (gnomAD). This alteration is expected to result in loss of function by premature protein truncation or nonsense-mediated mRNA decay. As such, this alteration is interpreted as a disease-causing mutation.

All of Us Research Program, National Institutes of Health
Classification: Pathogenic for Breast-ovarian cancer, familial, susceptibility to, 2. Last evaluated: 2023-11-20. Review status: criteria provided, single submitter. Criteria: ACMG Guidelines, 2015. Collection method: clinical testing. Allele origin: germline. Inheritance: Autosomal dominant inheritance. Observed: 1 variant allele, 1 heterozygote. Not counted in ClinVar's aggregate classification.
Comment: This variant changes 1 nucleotide in exon 11 of the BRCA2 gene, creating a premature translation stop signal. This variant is expected to result in an absent or non-functional protein product. To our knowledge, functional studies have not been reported for this variant. This variant has been reported in individuals affected with breast/ovarian cancer (PMID: 27406733, 32410793, 32614418). This variant has not been identified in the general population by the Genome Aggregation Database (gnomAD). Loss of BRCA2 function is a known mechanism of disease. Based on the available evidence, this variant is classified as Pathogenic.

This study involves interpretation of variants in research participants for the purpose of population health screening. Participant phenotype was not available at the time of variant classification. Additional details can be found in publication PMID: 35346344, PMCID: PMC8962531

Color Diagnostics, LLC DBA Color Health
Classification: Pathogenic for Hereditary cancer-predisposing syndrome. Last evaluated: 2023-09-13. Review status: criteria provided, single submitter. Criteria: ACMG Guidelines, 2015. Collection method: clinical testing. Allele origin: germline. Not counted in ClinVar's aggregate classification.
Comment: This variant changes 1 nucleotide in exon 11 of the BRCA2 gene, creating a premature translation stop signal. This variant is expected to result in an absent or non-functional protein product. This variant has been reported in individuals affected with breast/ovarian cancer (PMID: 27406733, 32410793, 32614418). This variant has not been identified in the general population by the Genome Aggregation Database (gnomAD). Loss of BRCA2 function is a known mechanism of disease. Based on the available evidence, this variant is classified as Pathogenic.

Consortium of Investigators of Modifiers of BRCA1/2 (CIMBA), c/o University of Cambridge
Classification: Pathogenic for Breast-ovarian cancer, familial, susceptibility to, 2. Last evaluated: 2015-10-02. Review status: criteria provided, single submitter. Criteria: CIMBA Mutation Classification guidelines May 2016. Collection method: clinical testing. Allele origin: germline. Not counted in ClinVar's aggregate classification.

Breast Cancer Information Core (BIC) (BRCA2)
Classification: Pathogenic for Breast-ovarian cancer, familial 2. Last evaluated: 2002-05-29. Review status: no assertion criteria provided. Collection method: clinical testing. Allele origin: germline. Affected: yes. Observed: 2 variant alleles. Not counted in ClinVar's aggregate classification.

Literature cited by the submitters: PubMed 20104584 (cited by Labcorp Genetics (formerly Invitae), Labcorp); PubMed 27406733 (cited by 3 submitters); PubMed 32410793 (cited by All of Us Research Program, National Institutes of Health and Color Diagnostics, LLC DBA Color Health); PubMed 32614418 (cited by All of Us Research Program, National Institutes of Health and Color Diagnostics, LLC DBA Color Health).

NM_000059.4(BRCA2):c.3319C>T (p.Gln1107Ter)

Gene: BRCA2 (BRCA2 DNA repair associated; plus strand). Cytogenetic location: 13q13.1.
Variant type: single nucleotide variant.
Coding change: c.3319C>T on transcript NM_000059.4 (MANE Select); coding-DNA position 3319, C replaced by T.
Protein change: p.Gln1107Ter; replaces glutamine 1107 with a stop codon.
Molecular consequence: nonsense.
Genome position (GRCh38, 1-based): chr13:32,337,674, C>T. VCF-style: chr13-32337674-C-T. GRCh37 (hg19) VCF-style: chr13-32911811-C-T.
Other names: short protein forms Q1107*.
Identifiers: ClinVar variation 51449 (VCV000051449.23), dbSNP rs80358578, ClinGen allele CA017774.